The following is an entry in ClinVar:

ClinVar aggregate classification (germline): Uncertain significance (1 of 4 stars; one submission).

Conditions:
Hypertrophic cardiomyopathy. Also called: HYPERTROPHIC MYOCARDIOPATHY. Identifiers: Orphanet 217569, MedGen C0007194, MeSH D002312, MONDO:0005045, HP:0001639.

Submission:

Labcorp Genetics (formerly Invitae), Labcorp
Classification: Uncertain significance for Hypertrophic cardiomyopathy. Last evaluated: 2022-08-22. Review status: criteria provided, single submitter. Criteria: Invitae Variant Classification Sherloc (09022015). Collection method: clinical testing. Allele origin: germline.
Comment: This variant is not present in population databases (gnomAD no frequency). This sequence change replaces valine, which is neutral and non-polar, with methionine, which is neutral and non-polar, at codon 755 of the MYOM1 protein (p.Val755Met). This variant has not been reported in the literature in individuals affected with MYOM1-related conditions. In summary, the available evidence is currently insufficient to determine the role of this variant in disease. Therefore, it has been classified as a Variant of Uncertain Significance. Algorithms developed to predict the effect of missense changes on protein structure and function are either unavailable or do not agree on the potential impact of this missense change (SIFT: "Tolerated"; PolyPhen-2: "Probably Damaging"; Align-GVGD: "Class C0").

NM_003803.4(MYOM1):c.2263G>A (p.Val755Met)

Gene: MYOM1 (myomesin 1; minus strand). Cytogenetic location: 18p11.31.
Variant type: single nucleotide variant.
Coding change: c.2263G>A on transcript NM_003803.4 (MANE Select); coding-DNA position 2263, G replaced by A.
Protein change: p.Val755Met; replaces valine 755 with methionine.
Molecular consequence: missense variant.
Genome position (GRCh38, 1-based): chr18:3,134,771, C>T on the plus strand (G>A on the coding strand, the complement: MYOM1 is on the minus strand). VCF-style: chr18-3134771-C-T. GRCh37 (hg19) VCF-style: chr18-3134769-C-T.
Other names: c.2263G>A, p.Val755Met (NM_019856.2); short protein forms V755M.
Identifiers: ClinVar variation 1717693 (VCV001717693.5), dbSNP rs2079932084, ClinGen allele CA401712738.